The following is an entry in ClinVar:

NM_001044385.3(TMEM237):c.244AGA[1] (p.Arg83del)

Gene: TMEM237 (transmembrane protein 237; minus strand). Cytogenetic location: 2q33.1.
Variant type: Microsatellite.
Coding change: c.244AGA[1] on transcript NM_001044385.3 (MANE Select); one copy of the 3-base unit AGA starting at c.244; the reference has two copies in a row; one copy, 3 bases deleted.
Protein change: p.Arg83del; deletes arginine 83.
Genome position (GRCh38, 1-based): chr2:201,636,773-201,636,775, TCT deleted on the plus strand (AGA on the coding strand, the reverse complement: TMEM237 is on the minus strand); deleting any 3 consecutive bases within chr2:201,636,773-201,636,779 gives the same sequence; the position shown is the placement nearest the transcript's 3' end. VCF-style (leftmost placement, unchanged base first): chr2-201636772-GTCT-G. GRCh37 (hg19) VCF-style: chr2-202501495-GTCT-G.
Other names: c.220AGA[1], p.Arg75del (NM_152388.4); short protein forms R75del, R83del.
Identifiers: ClinVar variation 3650378 (VCV003650378.2).
Genomic context (GRCh38, chr2:201,636,772, plus strand): 5'-GTGCTATCACAACTTAACCTTGGTTTCTTCACATACCAAGAGGTAGCCTTGTCTTTTTCT[GTCT>G]TCTTTGAACAGGAGCCTCTGGGTGCTCTTTGAGTTCTTTAGTTGATGGCTCATTGCCCTC-3'

ClinVar aggregate classification (germline): Uncertain significance (1 of 4 stars; one submission).

Conditions:
Joubert syndrome 14 (JBTS14). Identifiers: MedGen C3280766, MONDO:0013745, OMIM 614424.

Submission:

Labcorp Genetics (formerly Invitae), Labcorp
Classification: Uncertain significance for Joubert syndrome 14. Last evaluated: 2024-04-25. Review status: criteria provided, single submitter. Criteria: Invitae Variant Classification Sherloc (09022015). Collection method: clinical testing. Allele origin: germline.
Comment: This variant, c.247_249del, results in the deletion of 1 amino acid(s) of the TMEM237 protein (p.Arg83del), but otherwise preserves the integrity of the reading frame. This variant is not present in population databases (gnomAD no frequency). This variant has not been reported in the literature in individuals affected with TMEM237-related conditions. Experimental studies and prediction algorithms are not available or were not evaluated, and the functional significance of this variant is currently unknown. In summary, the available evidence is currently insufficient to determine the role of this variant in disease. Therefore, it has been classified as a Variant of Uncertain Significance.